The following is an entry in ClinVar:

ClinVar aggregate classification (germline): Uncertain significance (1 of 4 stars; one submission).

Allele frequency attached by ClinVar (database versions not stated): gnomAD 0.00001.

Submission:

Labcorp Genetics (formerly Invitae), Labcorp
Classification: Uncertain significance. Last evaluated: 2022-01-21. Review status: criteria provided, single submitter. Criteria: Invitae Variant Classification Sherloc (09022015). Collection method: clinical testing. Allele origin: germline.
Comment: This sequence change replaces isoleucine, which is neutral and non-polar, with valine, which is neutral and non-polar, at codon 382 of the EXOSC9 protein (p.Ile382Val). This variant is present in population databases (no rsID available, gnomAD 0.06%). This variant has not been reported in the literature in individuals affected with EXOSC9-related conditions. Algorithms developed to predict the effect of missense changes on protein structure and function output the following: SIFT: "Tolerated"; PolyPhen-2: "Benign"; Align-GVGD: "Class C0". The valine amino acid residue is found in multiple mammalian species, which suggests that this missense change does not adversely affect protein function. In summary, the available evidence is currently insufficient to determine the role of this variant in disease. Therefore, it has been classified as a Variant of Uncertain Significance.

NM_005033.3(EXOSC9):c.1144A>G (p.Ile382Val)

Gene: EXOSC9 (exosome component 9; plus strand). Cytogenetic location: 4q27.
Variant type: single nucleotide variant.
Coding change: c.1144A>G on transcript NM_005033.3 (MANE Select); coding-DNA position 1144, A replaced by G.
Protein change: p.Ile382Val; replaces isoleucine 382 with valine.
Molecular consequence: missense variant.
Genome position (GRCh38, 1-based): chr4:121,814,035, A>G. VCF-style: chr4-121814035-A-G. GRCh37 (hg19) VCF-style: chr4-122735190-A-G.
Other names: c.1144A>G, p.Ile382Val (NM_001034194.2); short protein forms I382V.
Identifiers: ClinVar variation 2088475 (VCV002088475.4), dbSNP rs1429713329, ClinGen allele CA358046403.